The following is an entry in ClinVar:

NM_005506.4(SCARB2):c.245G>T (p.Arg82Leu)

Gene: SCARB2 (scavenger receptor class B member 2; minus strand). Cytogenetic location: 4q21.1.
Variant type: single nucleotide variant.
Coding change: c.245G>T on transcript NM_005506.4 (MANE Select); coding-DNA position 245, G replaced by T.
Protein change: p.Arg82Leu; replaces arginine 82 with leucine.
Molecular consequence: missense variant.
Genome position (GRCh38, 1-based): chr4:76,195,737, C>A on the plus strand (G>T on the coding strand, the complement: SCARB2 is on the minus strand). VCF-style: chr4-76195737-C-A. GRCh37 (hg19) VCF-style: chr4-77116890-C-A.
Other names: c.245G>T, p.Arg82Leu (NM_001204255.2); short protein forms R82L.
Identifiers: ClinVar variation 1492980 (VCV001492980.6), dbSNP rs1422181706, ClinGen allele CA357327489.

ClinVar aggregate classification (germline): Uncertain significance (1 of 4 stars; one submission).

Conditions:
Progressive myoclonic epilepsy. Also called: Familial progressive myoclonic epilepsy; Myoclonus epilepsy; Progressive myoclonus epilepsy; Myoclonic Epilepsies, Progressive. Identifiers: Orphanet 308, Orphanet 98261, MedGen C0751778, MONDO:0020074.

Allele frequency attached by ClinVar (database versions not stated): gnomAD exomes below 0.00001.
gnomAD v4.1: 1 of 1,613,966 alleles (0.000062%); highest among the groups gnomAD compares: South Asian, 0.0011%; no homozygotes.

Submission:

Labcorp Genetics (formerly Invitae), Labcorp
Classification: Uncertain significance for Progressive myoclonic epilepsy. Last evaluated: 2022-08-31. Review status: criteria provided, single submitter. Criteria: Invitae Variant Classification Sherloc (09022015). Collection method: clinical testing. Allele origin: germline.
Comment: In summary, the available evidence is currently insufficient to determine the role of this variant in disease. Therefore, it has been classified as a Variant of Uncertain Significance. Algorithms developed to predict the effect of missense changes on protein structure and function output the following: SIFT: "Tolerated"; PolyPhen-2: "Benign"; Align-GVGD: "Class C0". The leucine amino acid residue is found in multiple mammalian species, which suggests that this missense change does not adversely affect protein function. ClinVar contains an entry for this variant (Variation ID: 1492980). This variant has not been reported in the literature in individuals affected with SCARB2-related conditions. This variant is present in population databases (no rsID available, gnomAD 0.003%). This sequence change replaces arginine, which is basic and polar, with leucine, which is neutral and non-polar, at codon 82 of the SCARB2 protein (p.Arg82Leu).